The following is an entry in ClinVar:

NM_001046.3(SLC12A2):c.1777A>C (p.Met593Leu)

Gene: SLC12A2 (solute carrier family 12 member 2; plus strand). Cytogenetic location: 5q23.3.
Variant type: single nucleotide variant.
Coding change: c.1777A>C on transcript NM_001046.3 (MANE Select); coding-DNA position 1777, A replaced by C.
Protein change: p.Met593Leu; replaces methionine 593 with leucine.
Molecular consequence: missense variant. On other transcripts: non-coding transcript variant (1).
Genome position (GRCh38, 1-based): chr5:128,147,625, A>C. VCF-style: chr5-128147625-A-C. GRCh37 (hg19) VCF-style: chr5-127483317-A-C.
Other names: c.1777A>C, p.Met593Leu (NM_001256461.2); short protein forms M593L.
Identifiers: ClinVar variation 1369935 (VCV001369935.6), dbSNP rs780776869, ClinGen allele CA3393211.

ClinVar aggregate classification (germline): Uncertain significance (1 of 4 stars; one submission).

Allele frequency attached by ClinVar (database versions not stated): gnomAD exomes 0.00001; ExAC 0.00003.
gnomAD v4.1: 6 of 1,592,886 alleles (0.00038%); highest among the groups gnomAD compares: Non-Finnish European, 0.00043%; no homozygotes.

Submission:

Labcorp Genetics (formerly Invitae), Labcorp
Classification: Uncertain significance. Last evaluated: 2025-06-09. Review status: criteria provided, single submitter. Criteria: Invitae Variant Classification Sherloc (09022015). Collection method: clinical testing. Allele origin: germline.
Comment: This sequence change replaces methionine, which is neutral and non-polar, with leucine, which is neutral and non-polar, at codon 593 of the SLC12A2 protein (p.Met593Leu). This variant is present in population databases (rs780776869, gnomAD 0.004%). This variant has not been reported in the literature in individuals affected with SLC12A2-related conditions. ClinVar contains an entry for this variant (Variation ID: 1369935). Invitae Evidence Modeling of protein sequence and biophysical properties (such as structural, functional, and spatial information, amino acid conservation, physicochemical variation, residue mobility, and thermodynamic stability) indicates that this missense variant is not expected to disrupt SLC12A2 protein function with a negative predictive value of 80%. In summary, the available evidence is currently insufficient to determine the role of this variant in disease. Therefore, it has been classified as a Variant of Uncertain Significance.